The following is an entry in ClinVar:

NM_001144952.2(SDK2):c.2361G>A (p.Leu787=)

Gene: SDK2 (sidekick cell adhesion molecule 2; minus strand). Cytogenetic location: 17q25.1.
Variant type: single nucleotide variant.
Coding change: c.2361G>A on transcript NM_001144952.2 (MANE Select); coding-DNA position 2361, G replaced by A.
Protein change: p.Leu787=; no amino-acid change (leucine 787 retained).
Molecular consequence: synonymous variant.
Genome position (GRCh38, 1-based): chr17:73,415,818, C>T on the plus strand (G>A on the coding strand, the complement: SDK2 is on the minus strand). VCF-style: chr17-73415818-C-T. GRCh37 (hg19) VCF-style: chr17-71411957-C-T.
Identifiers: ClinVar variation 3044242 (VCV003044242.2), dbSNP rs1334771323, ClinGen allele CA501730937.

ClinVar aggregate classification (germline): Likely benign (0 of 4 stars; one submission).

Conditions:
SDK2-related disorder. Also called: SDK2-related condition.

Allele frequency attached by ClinVar (database versions not stated): gnomAD exomes 0.00001; gnomAD 0.00002; TOPMed 0.00002.
gnomAD v4.1: 23 of 1,552,284 alleles (0.0015%); highest among the groups gnomAD compares: Middle Eastern, 0.017%; no homozygotes.

Submission:

PreventionGenetics, part of Exact Sciences
Classification: Likely benign for SDK2-related condition. Last evaluated: 2019-03-11. Review status: no assertion criteria provided. Collection method: clinical testing. Allele origin: germline.
Comment: This variant is classified as likely benign based on ACMG/AMP sequence variant interpretation guidelines (Richards et al. 2015 PMID: 25741868, with internal and published modifications).